The following is an entry in ClinVar:

NM_000135.4(FANCA):c.3805C>T (p.Leu1269=)

Genes: FANCA (FA complementation group A; minus strand), ZNF276 (zinc finger protein 276; plus strand). Cytogenetic location: 16q24.3.
Variant type: single nucleotide variant.
Coding change: c.3805C>T on transcript NM_000135.4 (MANE Select); coding-DNA position 3805, C replaced by T.
Protein change: p.Leu1269=; no amino-acid change (leucine 1269 retained).
Molecular consequence: synonymous variant. On other transcripts: 3 prime UTR variant (2), non-coding transcript variant (4).
Genome position (GRCh38, 1-based): chr16:89,740,827, G>A on the plus strand (C>T on the coding strand, the complement: FANCA is on the minus strand). VCF-style: chr16-89740827-G-A. GRCh37 (hg19) VCF-style: chr16-89807235-G-A.
Other names: c.3805C>T, p.Leu1269= (NM_001286167.3); c.*2581G>A (NM_001113525.2, NM_152287.4).
Identifiers: ClinVar variation 1099364 (VCV001099364.12), dbSNP rs757641646, ClinGen allele CA8250960.
Genomic context (GRCh38, chr16:89,740,827, plus strand): 5'-TGGGAGAGGACACCTTGGCTGGTAAGGTCTGACTTACATTTGAGGTCAGATGTGACGACA[G>A]CAGGCCCATCAAGGAGAAGAAGAAAAGGAAAACCAATAGCTGTAAATAAAAACGTGCACT-3'
Protein context (NP_000126.2, residues 1259-1279): FLFFFSLMGL[Leu1269=]SSHLTSNSTT

ClinVar aggregate classification (germline): Likely benign. Review status: criteria provided, multiple submitters, no conflicts (2 of 4 stars). 3 submissions from 3 submitters: Likely benign (2). 1 of the submissions does not count toward it. Last evaluated 2025-04-05.

Conditions:
Inborn genetic diseases. Identifiers: MedGen C0950123, MeSH D030342.
FANCA-related disorder. Also called: FANCA-related condition.
Fanconi anemia (FA). Also called: Fanconi's anemia. Identifiers: Orphanet 84, MedGen C0015625, MeSH D005199, MONDO:0019391.

Allele frequency attached by ClinVar (database versions not stated): TOPMed below 0.00001; gnomAD 0.00001; gnomAD exomes 0.00001; ExAC 0.00002.
gnomAD v4.1: 5 of 1,613,542 alleles (0.00031%); highest among the groups gnomAD compares: South Asian, 0.0044%; no homozygotes.

Submissions (3):

Ambry Genetics
Classification: Likely benign for Inborn genetic diseases. Last evaluated: 2025-04-05. Review status: criteria provided, single submitter. Criteria: Ambry Variant Classification Scheme 2023. Collection method: clinical testing. Allele origin: germline.

Labcorp Genetics (formerly Invitae), Labcorp
Classification: Likely benign for Fanconi anemia. Last evaluated: 2024-01-08. Review status: criteria provided, single submitter. Criteria: Invitae Variant Classification Sherloc (09022015). Collection method: clinical testing. Allele origin: germline.

PreventionGenetics, part of Exact Sciences
Classification: Likely benign for FANCA-related condition. Last evaluated: 2024-02-08. Review status: no assertion criteria provided. Collection method: clinical testing. Allele origin: germline. Not counted in ClinVar's aggregate classification.
Comment: This variant is classified as likely benign based on ACMG/AMP sequence variant interpretation guidelines (Richards et al. 2015 PMID: 25741868, with internal and published modifications).